The following is an entry in ClinVar:

NM_024422.6(DSC2):c.775+6T>C

Gene: DSC2 (desmocollin 2; minus strand). Cytogenetic location: 18q12.1.
Variant type: single nucleotide variant.
Coding change: c.775+6T>C on transcript NM_024422.6 (MANE Select); 6 bases into the intron after coding-DNA position 775, T replaced by C.
Molecular consequence: intron variant.
Genome position (GRCh38, 1-based): chr18:31,087,663, A>G on the plus strand (T>C on the coding strand, the complement: DSC2 is on the minus strand). VCF-style: chr18-31087663-A-G. GRCh37 (hg19) VCF-style: chr18-28667626-A-G.
Other names: c.775+6T>C (NM_004949.5); c.346+6T>C (NM_001406506.1, NM_001406507.1).
Identifiers: ClinVar variation 3766507 (VCV003766507.2).

ClinVar aggregate classification (germline): Uncertain significance. Review status: criteria provided, multiple submitters, no conflicts (2 of 4 stars). 2 submissions from 2 submitters: Uncertain significance (2). Last evaluated 2025-05-23.

Conditions:
Arrhythmogenic right ventricular dysplasia 11. Also called: ARRHYTHMOGENIC RIGHT VENTRICULAR DYSPLASIA, FAMILIAL, 11; Arrhythmogenic Right Ventricular Dysplasia/Cardiomyopathy11; Arrhythmogenic right ventricular dysplasia 11 with mild palmoplantar keratoderma and woolly hair. Identifiers: MedGen C1864850, MONDO:0012506, OMIM 610476.

Submissions (2):

Labcorp Genetics (formerly Invitae), Labcorp
Classification: Uncertain significance for Arrhythmogenic right ventricular dysplasia 11. Last evaluated: 2025-05-23. Review status: criteria provided, single submitter. Criteria: Invitae Variant Classification Sherloc (09022015). Collection method: clinical testing. Allele origin: germline.
Comment: This sequence change falls in intron 6 of the DSC2 gene. It does not directly change the encoded amino acid sequence of the DSC2 protein. It affects a nucleotide within the consensus splice site. This variant is not present in population databases (gnomAD no frequency). This variant has not been reported in the literature in individuals affected with DSC2-related conditions. ClinVar contains an entry for this variant (Variation ID: 3766507). Variants that disrupt the consensus splice site are a relatively common cause of aberrant splicing (PMID: 17576681, 9536098). Algorithms developed to predict the effect of sequence changes on RNA splicing suggest that this variant may disrupt the consensus splice site. In summary, the available evidence is currently insufficient to determine the role of this variant in disease. Therefore, it has been classified as a Variant of Uncertain Significance.

ARUP Laboratories, Molecular Genetics and Genomics, ARUP Laboratories
Classification: Uncertain significance. Last evaluated: 2024-03-11. Review status: criteria provided, single submitter. Criteria: ARUP Molecular Germline Variant Investigation Process 2024. Collection method: clinical testing. Allele origin: germline.
Comment: The DSC2 c.775+6T>C variant, to our knowledge, is not reported in the medical literature or gene specific databases. This variant is also absent from the Genome Aggregation Database (v2.1.1), indicating it is not a common polymorphism. This is an intronic variant in a moderately conserved nucleotide, and computational analyses (Alamut Visual Plus v.1.5.1) predict that this variant may impact splicing by weakening the nearby canonical donor splice site. Due to limited information, the clinical significance of this variant is uncertain at this time.

Literature cited by the submitters: PubMed 17576681 (cited by Labcorp Genetics (formerly Invitae), Labcorp); PubMed 9536098 (cited by Labcorp Genetics (formerly Invitae), Labcorp).